The following is an entry in ClinVar:

NM_001846.4(COL4A2):c.3570G>A (p.Pro1190=)

Gene: COL4A2 (collagen type IV alpha 2 chain; plus strand). Cytogenetic location: 13q34.
Variant type: single nucleotide variant.
Coding change: c.3570G>A on transcript NM_001846.4 (MANE Select); coding-DNA position 3570, G replaced by A.
Protein change: p.Pro1190=; no amino-acid change (proline 1190 retained).
Molecular consequence: synonymous variant.
Genome position (GRCh38, 1-based): chr13:110,493,218, G>A. VCF-style: chr13-110493218-G-A. GRCh37 (hg19) VCF-style: chr13-111145565-G-A.
Other names: c.3570G>A (NM_001846.3).
Identifiers: ClinVar variation 2060057 (VCV002060057.7), dbSNP rs774750237, ClinGen allele CA7050255.

ClinVar aggregate classification (germline): Likely benign. Review status: criteria provided, multiple submitters, no conflicts (2 of 4 stars). 4 submissions from 4 submitters: Likely benign (4). Last evaluated 2025-07-22.

Conditions:
COL4A2-related disorder. Also called: COL4A2-related disorders; COL4A2-related condition.

Allele frequency attached by ClinVar (database versions not stated): gnomAD exomes 0.00004; gnomAD 0.00006; TOPMed 0.00007; ExAC 0.00009; 1000 Genomes Project 30x 0.00016.
gnomAD v4.1: 74 of 1,614,076 alleles (0.0046%); highest among the groups gnomAD compares: Middle Eastern, 0.05%; no homozygotes.

Submissions (4):

PreventionGenetics, part of Exact Sciences
Classification: Likely benign for COL4A2-related condition. Last evaluated: 2025-07-22. Review status: criteria provided, single submitter. Criteria: ACMG Guidelines, 2015. Collection method: clinical testing. Allele origin: germline.
Comment: This variant is classified as likely benign based on ACMG/AMP sequence variant interpretation guidelines (Richards et al. 2015 PMID: 25741868, with internal and published modifications).

Labcorp Genetics (formerly Invitae), Labcorp
Classification: Likely benign. Last evaluated: 2025-02-27. Review status: criteria provided, single submitter. Criteria: Invitae Variant Classification Sherloc (09022015). Collection method: clinical testing. Allele origin: germline.

Blueprint Genetics
Classification: Likely benign. Last evaluated: 2024-07-14. Review status: criteria provided, single submitter. Criteria: ACMG Guidelines, 2015. Collection method: clinical testing. Allele origin: germline.

Women's Health and Genetics/Laboratory Corporation of America, LabCorp
Classification: Likely benign. Last evaluated: 2024-04-25. Review status: criteria provided, single submitter. Criteria: LabCorp Variant Classification Summary - May 2015. Collection method: clinical testing. Allele origin: germline.